The following is an entry in ClinVar:

NM_003001.5(SDHC):c.297T>C (p.Tyr99=)

Gene: SDHC (succinate dehydrogenase complex subunit C; plus strand). Cytogenetic location: 1q23.3.
Variant type: single nucleotide variant.
Coding change: c.297T>C on transcript NM_003001.5 (MANE Select); coding-DNA position 297, T replaced by C.
Protein change: p.Tyr99=; no amino-acid change (tyrosine 99 retained).
Molecular consequence: synonymous variant. On other transcripts: non-coding transcript variant (1), intron variant (3).
Genome position (GRCh38, 1-based): chr1:161,356,732, T>C. VCF-style: chr1-161356732-T-C. GRCh37 (hg19) VCF-style: chr1-161326522-T-C.
Other names: c.195T>C, p.Tyr65= (NM_001035512.3); c.138T>C, p.Tyr46= (NM_001035513.3); c.417T>C, p.Tyr139= (NM_001407115.1); c.240T>C, p.Tyr80= (NM_001407116.1); c.234T>C, p.Tyr78= (NM_001407117.1); c.189T>C, p.Tyr63= (NM_001407118.1); c.186T>C, p.Tyr62= (NM_001407119.1, NM_001407120.1); c.242-5597T>C (NM_001035511.3); and 2 more.
Identifiers: ClinVar variation 1093913 (VCV001093913.10), dbSNP rs2102370693, ClinGen allele CA421501034.

ClinVar aggregate classification (germline): Benign/Likely benign. Review status: criteria provided, multiple submitters, no conflicts (2 of 4 stars). 3 submissions from 3 submitters: Benign (1); Likely benign (2). Last evaluated 2026-04-28.

Conditions:
Pheochromocytoma/paraganglioma syndrome 3. Also called: Paragangliomas 3; SDHC-Related Hereditary Paraganglioma-Pheochromocytoma Syndrome (Paragangliomas 3); SDHC-Related Hereditary Paraganglioma-Pheochromocytoma Syndrome; GLOMUS TUMORS, FAMILIAL, 3. Identifiers: Orphanet 29072, MedGen C1854336, MONDO:0011544, OMIM 605373.
Gastrointestinal stromal tumor. Also called: Gastrointestinal stroma tumor; Gastrointestinal stromal tumor, somatic. Identifiers: Orphanet 44890, MedGen C0238198, MeSH D046152, MONDO:0011719, OMIM 606764, HP:0100723.
Hereditary cancer-predisposing syndrome. Also called: Neoplastic Syndromes, Hereditary; Hereditary Cancer Syndrome; Hereditary neoplastic syndrome; Tumor predisposition. Identifiers: Orphanet 140162, MedGen C0027672, MeSH D009386, MONDO:0015356.

Allele frequency attached by ClinVar (database versions not stated): gnomAD exomes below 0.00001.
gnomAD v4.1: 1 of 1,614,056 alleles (0.000062%); highest among the groups gnomAD compares: South Asian, 0.0011%; no homozygotes.

Submissions (3):

Ambry Genetics
Classification: Likely benign for Hereditary cancer-predisposing syndrome. Last evaluated: 2026-04-28. Review status: criteria provided, single submitter. Criteria: Ambry Variant Classification Scheme 2023. Collection method: clinical testing. Allele origin: germline.

Myriad Genetics, Inc.
Classification: Benign for Pheochromocytoma/paraganglioma syndrome 3. Last evaluated: 2025-03-14. Review status: criteria provided, single submitter. Criteria: Myriad Autosomal Dominant, Autosomal Recessive and X-Linked Classification Criteria (2023). Collection method: clinical testing. Allele origin: unknown.
Comment: This variant is considered benign. This variant is a silent/synonymous amino acid change and it is not expected to impact splicing.

Labcorp Genetics (formerly Invitae), Labcorp
Classification: Likely benign for Pheochromocytoma/paraganglioma syndrome 3; Gastrointestinal stromal tumor. Last evaluated: 2020-09-30. Review status: criteria provided, single submitter. Criteria: Invitae Variant Classification Sherloc (09022015). Collection method: clinical testing. Allele origin: germline.